The following is an entry in ClinVar:

NM_005461.5(MAFB):c.226A>T (p.Thr76Ser)

Gene: MAFB (MAF bZIP transcription factor B; minus strand). Cytogenetic location: 20q12.
Variant type: single nucleotide variant.
Coding change: c.226A>T on transcript NM_005461.5 (MANE Select); coding-DNA position 226, A replaced by T.
Protein change: p.Thr76Ser; replaces threonine 76 with serine.
Molecular consequence: missense variant.
Genome position (GRCh38, 1-based): chr20:40,688,625, T>A on the plus strand (A>T on the coding strand, the complement: MAFB is on the minus strand). VCF-style: chr20-40688625-T-A. GRCh37 (hg19) VCF-style: chr20-39317265-T-A.
Other names: short protein forms T76S.
Identifiers: ClinVar variation 3647104 (VCV003647104.2).

ClinVar aggregate classification (germline): Uncertain significance (1 of 4 stars; one submission).

gnomAD v4.1: 1 of 1,614,056 alleles (0.000062%); highest among the groups gnomAD compares: Non-Finnish European, 0.000085%; no homozygotes.

Submission:

Labcorp Genetics (formerly Invitae), Labcorp
Classification: Uncertain significance. Last evaluated: 2024-06-28. Review status: criteria provided, single submitter. Criteria: Invitae Variant Classification Sherloc (09022015). Collection method: clinical testing. Allele origin: germline.
Comment: This sequence change replaces threonine, which is neutral and polar, with serine, which is neutral and polar, at codon 76 of the MAFB protein (p.Thr76Ser). This variant is not present in population databases (gnomAD no frequency). This variant has not been reported in the literature in individuals affected with MAFB-related conditions. Advanced modeling of protein sequence and biophysical properties (such as structural, functional, and spatial information, amino acid conservation, physicochemical variation, residue mobility, and thermodynamic stability) performed at Invitae indicates that this missense variant is not expected to disrupt MAFB protein function with a negative predictive value of 80%. In summary, the available evidence is currently insufficient to determine the role of this variant in disease. Therefore, it has been classified as a Variant of Uncertain Significance.